The following is an entry in ClinVar:

NM_003126.4(SPTA1):c.2558C>G (p.Thr853Arg)

Gene: SPTA1 (spectrin alpha, erythrocytic 1; minus strand). Cytogenetic location: 1q23.1.
Variant type: single nucleotide variant.
Coding change: c.2558C>G on transcript NM_003126.4 (MANE Select); coding-DNA position 2558, C replaced by G.
Protein change: p.Thr853Arg; replaces threonine 853 with arginine.
Molecular consequence: missense variant.
Genome position (GRCh38, 1-based): chr1:158,661,316, G>C on the plus strand (C>G on the coding strand, the complement: SPTA1 is on the minus strand). VCF-style: chr1-158661316-G-C. GRCh37 (hg19) VCF-style: chr1-158631106-G-C.
Other names: short protein forms T853R.
Identifiers: ClinVar variation 258923 (VCV000258923.29), dbSNP rs35121052, ClinGen allele CA1183355.
Genomic context (GRCh38, chr1:158,661,316, plus strand): 5'-TTTTGTCCAACTGAATCTCAATCATACATACCTTCCTCTACCATTTTGTTTCCCCTTTCT[G>C]TTATCTCTTGAATGCGTGGTTCATGGCTGGCAATGTTCTCCAGGATGACTCTATGCCTAT-3'
Protein context (NP_003117.2, residues 843-863): ASHEPRIQEI[Thr853Arg]ERGNKMVEEG

ClinVar aggregate classification (germline): Benign. Review status: criteria provided, multiple submitters, no conflicts (2 of 4 stars). 8 submissions from 6 submitters: Benign (8). Last evaluated 2026-01-27.

Conditions:
Hereditary spherocytosis type 3. Also called: SPTA1-Related Spherocytosis; Spherocytosis type 3. Identifiers: Orphanet 822, MedGen C2678338, MONDO:0010053, OMIM 270970.
Elliptocytosis 2 (EL2). Also called: ELLIPTOCYTOSIS, RHESUS-UNLINKED TYPE. Identifiers: Orphanet 288, MedGen C1851741, MONDO:0007533, OMIM 130600.
Pyropoikilocytosis, hereditary. Also called: Pyropoikilocytosis. Identifiers: MedGen C0520739, MONDO:0009948, OMIM 266140, HP:0004839. Disease mechanism: loss of function.

Allele frequency attached by ClinVar (database versions not stated): gnomAD 0.08873 and 0.09487; ESP Exome Variant Server 0.09376; 1000 Genomes Project 30x 0.11165; TOPMed 0.09916; 1000 Genomes Project 0.10603.
gnomAD v4.1: 27,604 of 1,613,640 alleles (1.7%); highest among the groups gnomAD compares: African/African-American, 31%; 3,717 homozygotes.

Submissions (8):

Labcorp Genetics (formerly Invitae), Labcorp
Classification: Benign. Last evaluated: 2026-01-27. Review status: criteria provided, single submitter. Criteria: Invitae Variant Classification Sherloc (09022015). Collection method: clinical testing. Allele origin: germline.

ARUP Laboratories, Molecular Genetics and Genomics, ARUP Laboratories
Classification: Benign. Last evaluated: 2025-07-28. Review status: criteria provided, single submitter. Criteria: ARUP Molecular Germline Variant Investigation Process 2024. Collection method: clinical testing. Allele origin: germline.

Illumina Laboratory Services, Illumina
Classification: Benign for Elliptocytosis 2. Last evaluated: 2018-01-13. Review status: criteria provided, single submitter. Criteria: ICSL Variant Classification Criteria 13 December 2019. Collection method: clinical testing. Allele origin: germline.
Comment: This variant was observed in the ICSL laboratory as part of a predisposition screen in an ostensibly healthy population. It had not been previously curated by ICSL or reported in the Human Gene Mutation Database (HGMD: prior to June 1st, 2018), and was therefore a candidate for classification through an automated scoring system. Utilizing variant allele frequency, disease prevalence and penetrance estimates, and inheritance mode, an automated score was calculated to assess if this variant is too frequent to cause the disease. Based on the score and internal cut-off values, a variant classified as benign is not then subjected to further curation. The score for this variant resulted in a classification of benign for this disease.

Illumina Laboratory Services, Illumina
Classification: Benign for Pyropoikilocytosis, hereditary. Last evaluated: 2018-01-13. Review status: criteria provided, single submitter. Criteria: ICSL Variant Classification Criteria 13 December 2019. Collection method: clinical testing. Allele origin: germline.
Comment: the same text as in the submission from Illumina Laboratory Services, Illumina above.

Illumina Laboratory Services, Illumina
Classification: Benign for Hereditary spherocytosis type 3. Last evaluated: 2018-01-13. Review status: criteria provided, single submitter. Criteria: ICSL Variant Classification Criteria 13 December 2019. Collection method: clinical testing. Allele origin: germline.
Comment: the same text as in the submission from Illumina Laboratory Services, Illumina above.

Mayo Clinic Laboratories, Mayo Clinic
Classification: Benign. Last evaluated: 2016-05-18. Review status: criteria provided, single submitter. Criteria: ACMG Guidelines, 2015. Collection method: clinical testing. Allele origin: germline. Observed: 309 variant alleles.

Breakthrough Genomics
Classification: Benign. Review status: criteria provided, single submitter. Criteria: ACMG Guidelines, 2015. Collection method: not provided. Allele origin: germline. Inheritance: Autosomal recessive inheritance. Affected: yes.

PreventionGenetics, part of Exact Sciences
Classification: Benign. Review status: criteria provided, single submitter. Criteria: ACMG Guidelines, 2015. Collection method: clinical testing. Allele origin: germline.